The following is an entry in ClinVar:

NM_001353921.2(ARHGEF9):c.1077+5C>T

Gene: ARHGEF9 (Cdc42 guanine nucleotide exchange factor 9; minus strand). Cytogenetic location: Xq11.1.
Variant type: single nucleotide variant.
Coding change: c.1077+5C>T on transcript NM_001353921.2 (MANE Select); 5 bases into the intron after coding-DNA position 1077, C replaced by T.
Molecular consequence: intron variant.
Genome position (GRCh38, 1-based): chrX:63,665,881, G>A on the plus strand (C>T on the coding strand, the complement: ARHGEF9 is on the minus strand). VCF-style: chrX-63665881-G-A. GRCh37 (hg19) VCF-style: chrX-62885761-G-A.
Other names: c.897+5C>T (NM_001173479.2); c.945+8157C>T (NM_001353922.2); c.993+5C>T (NM_001369043.1, NM_001330495.2, NM_001369038.1 and 6 more transcripts); c.1095+5C>T (NM_001353923.1); c.861+8157C>T (NM_001369041.1, NM_001353927.2); c.876+5C>T (NM_001369040.1, NM_001369039.1, NM_001353926.2 and 1 more transcripts); c.1056+5C>T (NM_001369031.1, NM_001369030.1, NM_001369032.1 and 1 more transcripts); c.510+8157C>T (NM_001369045.1); and 2 more.
Identifiers: ClinVar variation 1006670 (VCV001006670.7), dbSNP rs2049507995, ClinGen allele CA2433124411.
Genomic context (GRCh38, chrX:63,665,881, plus strand): 5'-GAAGAGGAGGGTCCGGTACCCTGTTAGGTACCCATCTCCCTCAGGGAAGAAGGGGGCAGG[G>A]TTACCTTCTTGCAGAGGACCATCTGGTGGTCAAACAGGAAGAAGACCCGCTGCTGGTTGC-3'

ClinVar aggregate classification (germline): Uncertain significance (1 of 4 stars; one submission).

Conditions:
Developmental and epileptic encephalopathy, 8 (DEE8). Also called: HYPEREKPLEXIA AND EPILEPSY. Identifiers: Orphanet 163985, Orphanet 2076, MedGen C1845102, MONDO:0010375, OMIM 300607.

gnomAD v4.1: 4 of 1,210,429 alleles (0.00033%); highest among the groups gnomAD compares: Non-Finnish European, 0.00045%; no homozygotes.

Submission:

Labcorp Genetics (formerly Invitae), Labcorp
Classification: Uncertain significance for Developmental and epileptic encephalopathy, 8. Last evaluated: 2022-11-10. Review status: criteria provided, single submitter. Criteria: Invitae Variant Classification Sherloc (09022015). Collection method: clinical testing. Allele origin: germline.
Comment: In summary, the available evidence is currently insufficient to determine the role of this variant in disease. Therefore, it has been classified as a Variant of Uncertain Significance. This sequence change falls in intron 7 of the ARHGEF9 gene. It does not directly change the encoded amino acid sequence of the ARHGEF9 protein. It affects a nucleotide within the consensus splice site. This variant is not present in population databases (gnomAD no frequency). This variant has not been reported in the literature in individuals affected with ARHGEF9-related conditions. ClinVar contains an entry for this variant (Variation ID: 1006670). Variants that disrupt the consensus splice site are a relatively common cause of aberrant splicing (PMID: 17576681, 9536098). Algorithms developed to predict the effect of sequence changes on RNA splicing suggest that this variant is not likely to affect RNA splicing.

Literature cited by the submitters: PubMed 17576681; PubMed 9536098.